The following is an entry in ClinVar:

ClinVar aggregate classification (germline): Pathogenic (1 of 4 stars; one submission).

Conditions:
Nephronophthisis. Also called: Juvenile Nephronophthisis. Identifiers: Orphanet 655, MedGen C0687120, MONDO:0019005, HP:0000090.

Submission:

Labcorp Genetics (formerly Invitae), Labcorp
Classification: Pathogenic for Nephronophthisis. Last evaluated: 2023-03-17. Review status: criteria provided, single submitter. Criteria: Invitae Variant Classification Sherloc (09022015). Collection method: clinical testing. Allele origin: germline.
Comment: This sequence change creates a premature translational stop signal (p.Gly467Glufs*21) in the NPHP1 gene. It is expected to result in an absent or disrupted protein product. Loss-of-function variants in NPHP1 are known to be pathogenic (PMID: 23559409). This variant is not present in population databases (gnomAD no frequency). This variant has not been reported in the literature in individuals affected with NPHP1-related conditions. For these reasons, this variant has been classified as Pathogenic.

Literature cited by the submitters: PubMed 23559409.

NM_001128178.3(NPHP1):c.1230del (p.Gly411fs)

Gene: NPHP1 (nephrocystin 1; minus strand). Cytogenetic location: 2q13.
Variant type: Deletion.
Coding change: c.1230del on transcript NM_001128178.3 (MANE Select); coding-DNA position 1230, one base deleted (T; older notation c.1230delT).
Protein change: p.Gly411fs; shifts the reading frame from glycine 411.
Molecular consequence: frameshift variant.
Genome position (GRCh38, 1-based): chr2:110,147,955, A deleted on the plus strand (T on the coding strand, the reverse complement: NPHP1 is on the minus strand); the first of 2 consecutive A bases (chr2:110,147,955-110,147,956); deleting either gives the same sequence. VCF-style (leftmost placement, unchanged base first): chr2-110147954-CA-C. GRCh37 (hg19) VCF-style: chr2-110905531-CA-C.
Other names: c.1398del, p.Gly467fs (NM_000272.5); c.1041del, p.Gly348fs (NM_001128179.3); c.1227del, p.Gly410fs (NM_001374256.1); c.1230del, p.Gly411fs (NM_001374257.1); c.1395del, p.Gly466fs (NM_207181.4); short protein forms G348fs, G411fs, G410fs, G466fs, G467fs.
Identifiers: ClinVar variation 2846449 (VCV002846449.3), dbSNP rs2467259533, ClinGen allele CA2739271183.